The following is an entry in ClinVar:

NC_000007.14:g.156789543G>A

Genes: LMBR1 (limb development membrane protein 1; minus strand), SHH (sonic hedgehog signaling molecule; minus strand). Cytogenetic location: 7q36.3.
Variant type: single nucleotide variant.
Molecular consequence: intron variant (on NM_022458.4).
Genome position: GRCh38 VCF-style: chr7-156789543-G-A. GRCh37 (hg19) VCF-style: chr7-156582237-G-A.
Other names: c.360+6846C>T (NM_001363412.2); c.144+6846C>T (NM_001350954.2); c.423+6846C>T (NM_001363410.2, NM_022458.4, NM_001363409.2 and 1 more transcripts); c.-112+6846C>T (NM_001350958.2, NM_001350956.2, NM_001350955.2 and 1 more transcripts); c.54+6846C>T (NM_001350957.2, NM_001363411.2).
Identifiers: ClinVar variation 2868753 (VCV002868753.3), dbSNP rs568799251, ClinGen allele CA169823281.
Genomic context (GRCh38, chr7:156,789,543, plus strand): 5'-TAAATACACAACTTCTATTTCTGGTATACTAAATGACAAATAAATGGACTGTAAATTAAT[G>A]TACCAAGGTTCAGTTATATATTGACAAACGTTTCATAGATCAAAGATCAACATTGTGACC-3'

ClinVar aggregate classification (germline): Uncertain significance (1 of 4 stars; one submission).

Conditions:
Holoprosencephaly 3 (HPE3). Identifiers: Orphanet 2162, MedGen C1840529, MONDO:0007733, OMIM 142945.

Allele frequency attached by ClinVar (database versions not stated): 1000 Genomes Project 30x 0.00031; 1000 Genomes Project 0.00040.
gnomAD v4.1: 3 of 152,182 alleles (0.002%); highest among the groups gnomAD compares: South Asian, 0.042%; no homozygotes.

Submission:

Labcorp Genetics (formerly Invitae), Labcorp
Classification: Uncertain significance for Holoprosencephaly 3. Last evaluated: 2024-03-12. Review status: criteria provided, single submitter. Criteria: Invitae Variant Classification Sherloc (09022015). Collection method: clinical testing. Allele origin: germline.
Comment: This variant occurs in a non-coding region of the SHH gene. It does not change the encoded amino acid sequence of the SHH protein. This variant is not present in population databases (gnomAD no frequency). This variant has not been reported in the literature in individuals affected with SHH-related conditions. Experimental studies and prediction algorithms are not available or were not evaluated, and the functional significance of this variant is currently unknown. In summary, the available evidence is currently insufficient to determine the role of this variant in disease. Therefore, it has been classified as a Variant of Uncertain Significance.